The following is an entry in ClinVar:

NM_018669.6(WDR4):c.627+2T>C

Gene: WDR4 (WDR4 tRNA N7-guanosine methyltransferase non-catalytic subunit; minus strand). Cytogenetic location: 21q22.3.
Variant type: single nucleotide variant.
Coding change: c.627+2T>C on transcript NM_018669.6 (MANE Select); the canonical splice donor site of the intron after coding-DNA position 627, T replaced by C.
Molecular consequence: splice donor variant.
Genome position (GRCh38, 1-based): chr21:42,859,660, A>G on the plus strand (T>C on the coding strand, the complement: WDR4 is on the minus strand). VCF-style: chr21-42859660-A-G. GRCh37 (hg19) VCF-style: chr21-44279770-A-G.
Other names: c.627+2T>C (NM_033661.5, NM_001260474.2); c.189+2T>C (NM_001260476.2, NM_001260475.2, NM_001260477.2).
Identifiers: ClinVar variation 3697312 (VCV003697312.3).

ClinVar aggregate classification (germline): Likely pathogenic. Review status: criteria provided, multiple submitters, no conflicts (2 of 4 stars). 2 submissions from 2 submitters: Likely pathogenic (2). Last evaluated 2024-05-17.

Conditions:
Galloway-Mowat syndrome 6. Identifiers: MedGen C5193043, MONDO:0032691, OMIM 618347.
Microcephaly, growth deficiency, seizures, and brain malformations. Identifiers: MedGen C5193042, MONDO:0032690, OMIM 618346.

gnomAD v4.1: 6 of 1,540,124 alleles (0.00039%); highest among the groups gnomAD compares: Non-Finnish European, 0.00053%; no homozygotes.

Submissions (2):

Labcorp Genetics (formerly Invitae), Labcorp
Classification: Likely pathogenic. Last evaluated: 2024-05-17. Review status: criteria provided, single submitter. Criteria: Invitae Variant Classification Sherloc (09022015). Collection method: clinical testing. Allele origin: germline.
Comment: This sequence change affects a donor splice site in intron 6 of the WDR4 gene. It is expected to disrupt RNA splicing. Variants that disrupt the donor or acceptor splice site typically lead to a loss of protein function (PMID: 16199547), and loss-of-function variants in WDR4 are known to be pathogenic (PMID: 29597095, 30079490). This variant is not present in population databases (gnomAD no frequency). This variant has not been reported in the literature in individuals affected with WDR4-related conditions. Algorithms developed to predict the effect of sequence changes on RNA splicing suggest that this variant may disrupt the consensus splice site. In summary, the currently available evidence indicates that the variant is pathogenic, but additional data are needed to prove that conclusively. Therefore, this variant has been classified as Likely Pathogenic.

Department of Pathology and Laboratory Medicine, Sinai Health System
Classification: Likely pathogenic for Microcephaly, growth deficiency, seizures, and brain malformations; Galloway-Mowat syndrome 6. Last evaluated: 2023-07-25. Review status: criteria provided, single submitter. Criteria: ACMG Guidelines, 2015. Collection method: research. Allele origin: germline.

Literature cited by the submitters: PubMed 16199547 (cited by Labcorp Genetics (formerly Invitae), Labcorp); PubMed 29597095 (cited by Labcorp Genetics (formerly Invitae), Labcorp); PubMed 30079490 (cited by Labcorp Genetics (formerly Invitae), Labcorp).